The following is an entry in ClinVar:

NM_001365536.1(SCN9A):c.1448A>G (p.Lys483Arg)

Genes: SCN9A (sodium voltage-gated channel alpha subunit 9; minus strand), SCN1A-AS1 (SCN1A and SCN9A antisense RNA 1; plus strand). Cytogenetic location: 2q24.3.
Variant type: single nucleotide variant.
Coding change: c.1448A>G on transcript NM_001365536.1 (MANE Select); coding-DNA position 1448, A replaced by G.
Protein change: p.Lys483Arg; replaces lysine 483 with arginine.
Molecular consequence: missense variant.
Genome position (GRCh38, 1-based): chr2:166,286,490, T>C on the plus strand (A>G on the coding strand, the complement: SCN9A is on the minus strand). VCF-style: chr2-166286490-T-C. GRCh37 (hg19) VCF-style: chr2-167143000-T-C.
Other names: c.1448A>G, p.Lys483Arg (NM_002977.4); short protein forms K483R.
Identifiers: ClinVar variation 3756683 (VCV003756683.2).

ClinVar aggregate classification (germline): Uncertain significance (1 of 4 stars; one submission).

Conditions:
Neuropathy, hereditary sensory and autonomic, type 2A (HSAN2A). Also called: MORVAN DISEASE; NEUROPATHY, CONGENITAL SENSORY; NEUROPATHY, HEREDITARY SENSORY RADICULAR, AUTOSOMAL RECESSIVE; NEUROPATHY, HEREDITARY SENSORY, TYPE IIA; NEUROPATHY, PROGRESSIVE SENSORY, OF CHILDREN; ACROOSTEOLYSIS, GIACCAI TYPE. Identifiers: Orphanet 970, MedGen C2752089, MONDO:0024309, OMIM 201300.
Generalized epilepsy with febrile seizures plus, type 7 (GEFSP7). Also called: GEFS+, TYPE 7. Identifiers: Orphanet 36387, MedGen C2751778, MONDO:0013470, OMIM 613863.

Submission:

Labcorp Genetics (formerly Invitae), Labcorp
Classification: Uncertain significance for Neuropathy, hereditary sensory and autonomic, type 2A; Generalized epilepsy with febrile seizures plus, type 7. Last evaluated: 2025-01-19. Review status: criteria provided, single submitter. Criteria: Invitae Variant Classification Sherloc (09022015). Collection method: clinical testing. Allele origin: germline.
Comment: This sequence change replaces lysine, which is basic and polar, with arginine, which is basic and polar, at codon 483 of the SCN9A protein (p.Lys483Arg). This variant is not present in population databases (gnomAD no frequency). This variant has not been reported in the literature in individuals affected with SCN9A-related conditions. Invitae Evidence Modeling of protein sequence and biophysical properties (such as structural, functional, and spatial information, amino acid conservation, physicochemical variation, residue mobility, and thermodynamic stability) indicates that this missense variant is not expected to disrupt SCN9A protein function with a negative predictive value of 95%. In summary, the available evidence is currently insufficient to determine the role of this variant in disease. Therefore, it has been classified as a Variant of Uncertain Significance.